The following is an entry in ClinVar:

NM_000558.5(HBA1):c.-35T>C

Genes: HBA1 (hemoglobin subunit alpha 1; plus strand), LOC106804613 (hemoglobin subunit alpha 1 recombination region; plus strand). Cytogenetic location: 16p13.3.
Variant type: single nucleotide variant.
Coding change: c.-35T>C on transcript NM_000558.5 (MANE Select); 35 bases upstream of the start codon, T replaced by C.
Molecular consequence: 5 prime UTR variant.
Genome position (GRCh38, 1-based): chr16:176,682, T>C. VCF-style: chr16-176682-T-C. GRCh37 (hg19) VCF-style: chr16-226681-T-C.
Identifiers: ClinVar variation 4280317 (VCV004280317.1).

ClinVar aggregate classification (germline): Likely benign (0 of 4 stars; one submission).

Conditions:
alpha Thalassemia. Also called: Alpha thalassemia spectrum. Identifiers: Orphanet 846, MedGen C0002312, MONDO:0011399, OMIM 604131.

Submission:

Precision Medicine Lab Center, Yangjiang People's Hospital
Classification: Likely benign for alpha Thalassemia. Last evaluated: 2023-10-16. Review status: no assertion criteria provided. Collection method: clinical testing. Allele origin: germline. Affected: yes. Observed: 2 variant alleles.
Comment: The HBA1:c.-35T>C mutation is a substitution of T with C at position -35 upstream of the HBA1 coding region. This variant has not been previously reported in available databases.